The following is an entry in ClinVar:

ClinVar aggregate classification (germline): Benign (1 of 4 stars; one submission).

Conditions:
Focal segmental glomerulosclerosis 2 (FSGS2). Identifiers: Orphanet 656, MedGen C1858915, MONDO:0011390, OMIM 603965.

Allele frequency attached by ClinVar (database versions not stated): 1000 Genomes Project 0.00539; 1000 Genomes Project 30x 0.00562; gnomAD 0.00586 and 0.00635; TOPMed 0.00611.

Submission:

Illumina Laboratory Services, Illumina
Classification: Benign for Focal segmental glomerulosclerosis 2. Last evaluated: 2018-01-13. Review status: criteria provided, single submitter. Criteria: ICSL Variant Classification Criteria 13 December 2019. Collection method: clinical testing. Allele origin: germline.
Comment: This variant was observed in the ICSL laboratory as part of a predisposition screen in an ostensibly healthy population. It had not been previously curated by ICSL or reported in the Human Gene Mutation Database (HGMD: prior to June 1st, 2018), and was therefore a candidate for classification through an automated scoring system. Utilizing variant allele frequency, disease prevalence and penetrance estimates, and inheritance mode, an automated score was calculated to assess if this variant is too frequent to cause the disease. Based on the score and internal cut-off values, a variant classified as benign is not then subjected to further curation. The score for this variant resulted in a classification of benign for this disease.

NM_004621.6(TRPC6):c.*970A>G

Gene: TRPC6 (transient receptor potential cation channel subfamily C member 6; minus strand). Cytogenetic location: 11q22.1.
Variant type: single nucleotide variant.
Coding change: c.*970A>G on transcript NM_004621.6 (MANE Select); 970 bases downstream of the stop codon, A replaced by G.
Molecular consequence: 3 prime UTR variant.
Genome position (GRCh38, 1-based): chr11:101,451,985, T>C on the plus strand (A>G on the coding strand, the complement: TRPC6 is on the minus strand). VCF-style: chr11-101451985-T-C. GRCh37 (hg19) VCF-style: chr11-101322716-T-C.
Identifiers: ClinVar variation 301881 (VCV000301881.5), dbSNP rs146033736, ClinGen allele CA10636720.